The following is an entry in ClinVar:

ClinVar aggregate classification (germline): Pathogenic (1 of 4 stars; one submission).

Submission:

GeneDx
Classification: Pathogenic. Last evaluated: 2024-10-04. Review status: criteria provided, single submitter. Criteria: GeneDx Variant Classification Process June 2021. Collection method: clinical testing. Allele origin: germline. Affected: yes.
Comment: Nonsense variant predicted to result in protein truncation or nonsense mediated decay in a gene for which loss of function is a known mechanism of disease; Not observed at significant frequency in large population cohorts (gnomAD); Has not been previously published as pathogenic or benign to our knowledge

NM_000901.5(NR3C2):c.1685C>A (p.Ser562Ter)

Gene: NR3C2 (nuclear receptor subfamily 3 group C member 2; minus strand). Cytogenetic location: 4q31.23.
Variant type: single nucleotide variant.
Coding change: c.1685C>A on transcript NM_000901.5 (MANE Select); coding-DNA position 1685, C replaced by A.
Protein change: p.Ser562Ter; replaces serine 562 with a stop codon.
Molecular consequence: nonsense. On other transcripts: non-coding transcript variant (1).
Genome position (GRCh38, 1-based): chr4:148,435,176, G>T on the plus strand (C>A on the coding strand, the complement: NR3C2 is on the minus strand). VCF-style: chr4-148435176-G-T. GRCh37 (hg19) VCF-style: chr4-149356328-G-T.
Other names: c.1685C>A, p.Ser562Ter (NM_001166104.2, NM_001354819.1); short protein forms S562*.
Identifiers: ClinVar variation 4056460 (VCV004056460.1).